The following is an entry in ClinVar:

NM_003000.3(SDHB):c.287-10_295del

Gene: SDHB (succinate dehydrogenase complex iron sulfur subunit B; minus strand). Cytogenetic location: 1p36.13.
Variant type: Deletion.
Coding change: c.287-10_295del on transcript NM_003000.3 (MANE Select); 10 bases into the intron before coding-DNA position 287 through coding-DNA position 295, 19 bases deleted (TCTCTTTCAGGCATCTGTG).
Molecular consequence: splice acceptor variant.
Genome position (GRCh38, 1-based): chr1:17,028,728-17,028,746, CACAGATGCCTGAAAGAGA deleted on the plus strand (TCTCTTTCAGGCATCTGTG on the coding strand, the reverse complement: SDHB is on the minus strand); deleting any 19 consecutive bases within chr1:17,028,728-17,028,750 gives the same sequence; the c. name uses the placement nearest the transcript's 3' end. VCF-style (leftmost placement, unchanged base first): chr1-17028727-CCACAGATGCCTGAAAGAGA-C. GRCh37 (hg19) VCF-style: chr1-17355222-CCACAGATGCCTGAAAGAGA-C.
Other names: c.287-10_295del (NM_001407361.1).
Identifiers: ClinVar variation 2946935 (VCV002946935.3), dbSNP rs2078005474, ClinGen allele CA1156080539.
Genomic context (GRCh38, chr1:17,028,727, plus strand): 5'-GTGTCAATCCTTCGGGTGCAAGCTAGAGTGTTGCCTCCATTGATGTTCATTGCACAAGAG[CCACAGATGCCTGAAAGAGA>C]CACACATTTAACACATCCTCACCCATATCCGGAATCAGTCCTGCCCCAAATACTTTCTTC-3'

ClinVar aggregate classification (germline): Likely pathogenic (1 of 4 stars; one submission).

Conditions:
Pheochromocytoma. Also called: MAX-Related Hereditary Paraganglioma-Pheochromocytoma Syndrome. Identifiers: Orphanet 29072, MedGen C0031511, MONDO:0008233, OMIM 171300, HP:0002666.
Gastrointestinal stromal tumor. Also called: Gastrointestinal stromal tumor, somatic; Gastrointestinal stroma tumor. Identifiers: Orphanet 44890, MedGen C0238198, MeSH D046152, MONDO:0011719, OMIM 606764, HP:0100723.
Pheochromocytoma/paraganglioma syndrome 4. Also called: CAROTID BODY TUMORS AND MULTIPLE EXTRAADRENAL PHEOCHROMOCYTOMAS; PARAGANGLIOMA, FAMILIAL MALIGNANT; PARAGANGLIOMAS, HEREDITARY EXTRAADRENAL; PHEOCHROMOCYTOMA, FAMILIAL EXTRAADRENAL; Paragangliomas 4; SDHB-Related Hereditary Paraganglioma-Pheochromocytoma Syndrome (Paragangliomas 4). Identifiers: Orphanet 29072, MedGen C1861848, MONDO:0007273, OMIM 115310.

Submission:

Labcorp Genetics (formerly Invitae), Labcorp
Classification: Likely pathogenic for Gastrointestinal stromal tumor; Pheochromocytoma/paraganglioma syndrome 4; Pheochromocytoma. Last evaluated: 2023-05-22. Review status: criteria provided, single submitter. Criteria: Invitae Variant Classification Sherloc (09022015). Collection method: clinical testing. Allele origin: germline.
Comment: In summary, the currently available evidence indicates that the variant is pathogenic, but additional data are needed to prove that conclusively. Therefore, this variant has been classified as Likely Pathogenic. Algorithms developed to predict the effect of sequence changes on RNA splicing suggest that this variant may disrupt the consensus splice site. This variant has been observed in individual(s) with pheochromocytoma (Invitae). This variant is not present in population databases (gnomAD no frequency). This variant results in the deletion of part of exon 2 (c.287-10_295del) of the SDHB gene. It is expected to disrupt RNA splicing. Variants that disrupt the donor or acceptor splice site typically lead to a loss of protein function (PMID: 16199547), and loss-of-function variants in SDHB are known to be pathogenic (PMID: 19454582, 19802898).

Literature cited by the submitters: PubMed 16199547; PubMed 19454582; PubMed 19802898.